The following is an entry in ClinVar:

ClinVar aggregate classification (germline): Likely pathogenic (1 of 4 stars; one submission).

Conditions:
Citrullinemia. Identifiers: Orphanet 187, MedGen C0175683, MONDO:0015991.

Submission:

Natera, Inc.
Classification: Likely pathogenic for Citrullinemia. Last evaluated: 2025-12-23. Review status: criteria provided, single submitter. Criteria: Natera Variant Classification Schema (03/2026). Collection method: clinical testing. Allele origin: germline.
Comment: The c.17del variant in SLC25A13 is a frameshift variant predicted to shift the reading frame beginning at codon 6 and leads to a stop codon 3 codons downstream. This variant is expected to result in nonsense mediated decay, truncation, or a dysfunctional protein product. This variant is rare in the general population with a frequency below the threshold expected for the associated phenotype(s). Given the available evidence, this variant is classified as Likely Pathogenic.

NM_014251.3(SLC25A13):c.17del (p.Val6fs)

Gene: SLC25A13 (solute carrier family 25 member 13; minus strand). Cytogenetic location: 7q21.3.
Variant type: Deletion.
Coding change: c.17del on transcript NM_014251.3 (MANE Select); coding-DNA position 17, one base deleted (T; older notation c.17delT).
Protein change: p.Val6fs; shifts the reading frame from valine 6.
Molecular consequence: frameshift variant. On other transcripts: non-coding transcript variant (1).
Genome position (GRCh38, 1-based): chr7:96,296,950, A deleted on the plus strand (T on the coding strand, the reverse complement: SLC25A13 is on the minus strand). VCF-style (leftmost placement, unchanged base first): chr7-96296949-CA-C. GRCh37 (hg19) VCF-style: chr7-95926261-CA-C.
Other names: c.17del, p.Val6fs (NM_001160210.2); short protein forms V6fs.
Identifiers: ClinVar variation 4815635 (VCV004815635.1).